The following is an entry in ClinVar:

ClinVar aggregate classification (germline): Conflicting classifications of pathogenicity. Review status: criteria provided, conflicting classifications (1 of 4 stars). 2 submissions from 2 submitters: Pathogenic (1); Uncertain significance (1). Last evaluated 2019-02-18.

Conditions:
Intellectual developmental disorder, autosomal dominant 6, with or without seizures. Also called: Intellectual disability, autosomal dominant 6; GRIN2B-related developmental delay, intellectual disability and autism spectrum disorder. Identifiers: Orphanet 589547, MedGen C3151411, MONDO:0013509, OMIM 613970.
Developmental and epileptic encephalopathy, 27 (DEE27). Also called: Epileptic encephalopathy, early infantile, 27; GRIN2B-Related Neurodevelopmental Disorder. Identifiers: Orphanet 3451, MedGen C4015316, MONDO:0014505, OMIM 616139.

Submissions (2):

Labcorp Genetics (formerly Invitae), Labcorp
Classification: Uncertain significance for Developmental and epileptic encephalopathy, 27; Intellectual developmental disorder, autosomal dominant 6, with or without seizures. Last evaluated: 2019-02-18. Review status: criteria provided, single submitter. Criteria: Invitae Variant Classification Sherloc (09022015). Collection method: clinical testing. Allele origin: germline.
Comment: This variant has been observed to be de novo in an individual affected with Intellectual disability, Speech delay, Hypotonia, and Macrocephaly (PMID: 28554332). ClinVar contains an entry for this variant (Variation ID: 224086). In summary, the available evidence is currently insufficient to determine the role of this variant in disease. Therefore, it has been classified as a Variant of Uncertain Significance. Algorithms developed to predict the effect of missense changes on protein structure and function are either unavailable or do not agree on the potential impact of this missense change (SIFT: "Deleterious"; PolyPhen-2: "Probably Damaging"; Align-GVGD: "Class C0"). This variant is not present in population databases (ExAC no frequency). This sequence change replaces threonine with proline at codon 685 of the GRIN2B protein (p.Thr685Pro). The threonine residue is highly conserved and there is a small physicochemical difference between threonine and proline.

HudsonAlpha Institute for Biotechnology
Classification: Pathogenic for Developmental and epileptic encephalopathy, 27. Last evaluated: 2014-06-04. Review status: criteria provided, single submitter. Criteria: HA_assertions_20161101. Collection method: research. Allele origin: de novo. Affected: yes. Observed: 1 variant allele. Study: CSER-HudsonAlpha.

Literature cited by the submitters: PubMed 28554332 (cited by Labcorp Genetics (formerly Invitae), Labcorp).

NM_000834.5(GRIN2B):c.2053A>C (p.Thr685Pro)

Gene: GRIN2B (glutamate ionotropic receptor NMDA type subunit 2B; minus strand). Cytogenetic location: 12p13.1.
Variant type: single nucleotide variant.
Coding change: c.2053A>C on transcript NM_000834.5 (MANE Select); coding-DNA position 2053, A replaced by C.
Protein change: p.Thr685Pro; replaces threonine 685 with proline.
Molecular consequence: missense variant.
Genome position (GRCh38, 1-based): chr12:13,571,922, T>G on the plus strand (A>C on the coding strand, the complement: GRIN2B is on the minus strand). VCF-style: chr12-13571922-T-G. GRCh37 (hg19) VCF-style: chr12-13724856-T-G.
Other names: short protein forms T685P.
Identifiers: ClinVar variation 224086 (VCV000224086.13), dbSNP rs869312669, ClinGen allele CA354196.